The following is an entry in ClinVar:

NM_014141.6(CNTNAP2):c.2606T>C (p.Ile869Thr)

Gene: CNTNAP2 (contactin associated protein 2; plus strand). Cytogenetic location: 7q35.
Variant type: single nucleotide variant.
Coding change: c.2606T>C on transcript NM_014141.6 (MANE Select); coding-DNA position 2606, T replaced by C.
Protein change: p.Ile869Thr; replaces isoleucine 869 with threonine.
Molecular consequence: missense variant.
Genome position (GRCh38, 1-based): chr7:148,147,542, T>C. VCF-style: chr7-148147542-T-C. GRCh37 (hg19) VCF-style: chr7-147844634-T-C.
Other names: p.I869T:ATT>ACT; short protein forms I869T.
Identifiers: ClinVar variation 5493 (VCV000005493.23), dbSNP rs121908445, ClinGen allele CA117554.
Genomic context (GRCh38, chr7:148,147,542, plus strand): 5'-CTCCTCCAGCTGCCACAGAAGTGTCCTTTTCATTTGATGTGGGAAATGGGCCAGTAGAGA[T>C]TGTAGTGAGGTCACCAACCCCTCTCAACGATGACCAGTGGCACCGGGTCACTGCAGAGAG-3'
Protein context (NP_054860.1, residues 859-879): SFDVGNGPVE[Ile869Thr]VVRSPTPLND

ClinVar aggregate classification (germline): Conflicting classifications of pathogenicity. Review status: criteria provided, conflicting classifications (1 of 4 stars). 6 submissions from 6 submitters: Uncertain significance (3); Likely benign (2). 1 of the submissions does not count toward it. Last evaluated 2026-01-26.

Conditions:
Inborn genetic diseases. Identifiers: MedGen C0950123, MeSH D030342.
Autism, susceptibility to, 15. Also called: Autism susceptibility 15. Identifiers: MedGen C2677504, MONDO:0012801, OMIM 612100.
Cortical dysplasia-focal epilepsy syndrome (PTHSL1). Also called: Pitt-Hopkins-like syndrome 1. Identifiers: Orphanet 163681, Orphanet 221150, MedGen C2750246, MONDO:0012400, OMIM 610042.

Allele frequency attached by ClinVar (database versions not stated): gnomAD 0.00016 and 0.00018; gnomAD exomes 0.00017 and 0.00033; TOPMed 0.00020; ExAC 0.00030.
gnomAD v4.1: 289 of 1,613,954 alleles (0.018%); highest among the groups gnomAD compares: African/African-American, 0.004%; 1 homozygote.

Submissions (6):

Labcorp Genetics (formerly Invitae), Labcorp
Classification: Likely benign for Cortical dysplasia-focal epilepsy syndrome. Last evaluated: 2026-01-26. Review status: criteria provided, single submitter. Criteria: Invitae Variant Classification Sherloc (09022015). Collection method: clinical testing. Allele origin: germline.

GeneDx
Classification: Uncertain significance. Last evaluated: 2024-09-26. Review status: criteria provided, single submitter. Criteria: GeneDx Variant Classification Process June 2021. Collection method: clinical testing. Allele origin: germline. Affected: yes.
Comment: Published functional studies demonstrate the variant alters protein function (PMID: 38424048); Previously reported in individuals from three unrelated individuals with autism spectrum disorder (ASD) and in all cases the variant was inherited from an unaffected parent (PMID: 18179895, 25621974); Subsequently, it was reported that variants in CNTNAP2, including I869T, have no significant association with ASD (PMID: 25621974); In silico analysis supports that this missense variant has a deleterious effect on protein structure/function; This variant is associated with the following publications: (PMID: 30450007, 29788201, 22872700, 24807205, 35331928, 38424048, 30028556, 19432386, 25621974, 18179895)

Ambry Genetics
Classification: Likely benign for Inborn genetic diseases. Last evaluated: 2021-06-21. Review status: criteria provided, single submitter. Criteria: Ambry Variant Classification Scheme 2023. Collection method: clinical testing. Allele origin: germline.

Athena Diagnostics
Classification: Uncertain significance. Last evaluated: 2018-03-12. Review status: criteria provided, single submitter. Criteria: Athena Diagnostics Criteria. Collection method: clinical testing. Allele origin: germline.

Illumina Laboratory Services, Illumina
Classification: Uncertain significance for Cortical dysplasia-focal epilepsy syndrome. Last evaluated: 2017-04-27. Review status: criteria provided, single submitter. Criteria: ICSL Variant Classification Criteria 13 December 2019. Collection method: clinical testing. Allele origin: germline.
Comment: This variant was observed as part of a predisposition screen in an ostensibly healthy population. A literature search was performed for the gene, cDNA change, and amino acid change (where applicable). Publications were found based on this search. However, the evidence from the literature, in combination with allele frequency data from public databases where available, was not sufficient to rule this variant in or out of causing disease. Therefore, this variant is classified as a variant of unknown significance.

OMIM
Classification: risk factor for AUTISM, SUSCEPTIBILITY TO, 15. Last evaluated: 2008-01-01. Review status: no assertion criteria provided. Collection method: literature only. Allele origin: germline. Not counted in ClinVar's aggregate classification.

Literature cited by the submitters: PubMed 18179895 (cited by 3 submitters); PubMed 22872700 (cited by Ambry Genetics and Athena Diagnostics); PubMed 24807205 (cited by Ambry Genetics and Athena Diagnostics); PubMed 25621974 (cited by Ambry Genetics and Athena Diagnostics); PubMed 29788201 (cited by Ambry Genetics); Bakkaloglu, B., O'Roak, B. J., Louvi, A., Gupta, A. R., Abelson, J. F., Morgan, T. M., Chawarska, K., Klin, A., Ercan-Sencicek, A. G., Stillman, A. A., Tanriover, G., Abrahams, B. S., Duvall, J. A., Robbins, E. M., Geschwind, D. H., Biederer, T., Gunel, M., Lifton, R. P., State, M. W. Molecular cytogenetic analysis and resequencing of contactin associated protein-like 2 in autism spectrum disorders. Am. J. Hum. Genet. 82: 165-173, 2008. (cited by OMIM).